The following is an entry in ClinVar:

NM_020822.3(KCNT1):c.760-189_760-98del

Gene: KCNT1 (potassium sodium-activated channel subfamily T member 1; plus strand). Cytogenetic location: 9q34.3.
Variant type: Deletion.
Coding change: c.760-189_760-98del on transcript NM_020822.3 (MANE Select); 189 bases into the intron before coding-DNA position 760 through 98 bases into the intron before coding-DNA position 760, 92 bases deleted.
Molecular consequence: intron variant.
Genome position (GRCh38, 1-based): chr9:135,758,225-135,758,316, 92 bases deleted. GRCh37 (hg19): chr9:138,650,071-138,650,162.
Other names: c.616-189_616-98del (NM_001272003.2).
Identifiers: ClinVar variation 677474 (VCV000677474.1), dbSNP rs1564353623, ClinGen allele CA591142467.

ClinVar aggregate classification (germline): Likely benign (1 of 4 stars; one submission).

Submission:

GeneDx
Classification: Likely benign. Last evaluated: 2018-06-16. Review status: criteria provided, single submitter. Criteria: GeneDx Variant Classification (06012015). Collection method: clinical testing. Allele origin: germline. Affected: yes.
Comment: This variant is considered likely benign or benign based on one or more of the following criteria: it is a conservative change, it occurs at a poorly conserved position in the protein, it is predicted to be benign by multiple in silico algorithms, and/or has population frequency not consistent with disease.